The following is an entry in ClinVar:

NM_152564.5(VPS13B):c.3535A>T (p.Met1179Leu)

Gene: VPS13B (vacuolar protein sorting 13 homolog B; plus strand). Cytogenetic location: 8q22.2.
Variant type: single nucleotide variant.
Coding change: c.3535A>T on transcript NM_152564.5 (MANE Select); coding-DNA position 3535, A replaced by T.
Protein change: p.Met1179Leu; replaces methionine 1179 with leucine.
Molecular consequence: missense variant.
Genome position (GRCh38, 1-based): chr8:99,467,503, A>T. VCF-style: chr8-99467503-A-T. GRCh37 (hg19) VCF-style: chr8-100479731-A-T.
Other names: c.3535A>T, p.Met1179Leu (NM_017890.5); c.3535A>T (NM_152564.4); short protein forms M1179L.
Identifiers: ClinVar variation 1026182 (VCV001026182.11), dbSNP rs764040349, ClinGen allele CA371866094.

ClinVar aggregate classification (germline): Uncertain significance. Review status: criteria provided, single submitter (1 of 4 stars). 3 submissions from 3 submitters: Uncertain significance (1). 2 of the submissions do not count toward it. Last evaluated 2020-06-22.

Conditions:
VPS13B-related disorder. Also called: VPS13B-related condition.
Cohen syndrome (COH1). Also called: Cutis verticis gyrata, retinitis pigmentosa, and sensorineural deafness; PEPPER SYNDROME. Identifiers: Orphanet 193, MedGen C0265223, MONDO:0008999, OMIM 216550.

Submissions (3):

Labcorp Genetics (formerly Invitae), Labcorp
Classification: Uncertain significance for Cohen syndrome. Last evaluated: 2020-06-22. Review status: criteria provided, single submitter. Criteria: Invitae Variant Classification Sherloc (09022015). Collection method: clinical testing. Allele origin: germline.
Comment: Algorithms developed to predict the effect of missense changes on protein structure and function are either unavailable or do not agree on the potential impact of this missense change (SIFT: "Not Available"; PolyPhen-2: "Benign"; Align-GVGD: "Not Available"). In summary, the available evidence is currently insufficient to determine the role of this variant in disease. Therefore, it has been classified as a Variant of Uncertain Significance. This variant has not been reported in the literature in individuals with VPS13B-related conditions. This variant is not present in population databases (ExAC no frequency). This sequence change replaces methionine with leucine at codon 1179 of the VPS13B protein (p.Met1179Leu). The methionine residue is moderately conserved and there is a small physicochemical difference between methionine and leucine.

PreventionGenetics, part of Exact Sciences
Classification: Uncertain significance for VPS13B-related condition. Last evaluated: 2024-09-03. Review status: no assertion criteria provided. Collection method: clinical testing. Allele origin: germline. Not counted in ClinVar's aggregate classification.
Comment: The VPS13B c.3535A>T variant is predicted to result in the amino acid substitution p.Met1179Leu. To our knowledge, this variant has not been reported in the literature or in a large population database, indicating this variant is rare. At this time, the clinical significance of this variant is uncertain due to the absence of conclusive functional and genetic evidence.

Natera, Inc.
Classification: Uncertain significance for Cohen syndrome. Last evaluated: 2021-08-03. Review status: no assertion criteria provided. Collection method: clinical testing. Allele origin: germline. Not counted in ClinVar's aggregate classification.